The following is an entry in ClinVar:

ClinVar aggregate classification (germline): Uncertain significance. Review status: criteria provided, multiple submitters, no conflicts (2 of 4 stars). 2 submissions from 2 submitters: Uncertain significance (2). Last evaluated 2024-12-27.

Conditions:
Inborn genetic diseases. Identifiers: MedGen C0950123, MeSH D030342.

Submissions (2):

Labcorp Genetics (formerly Invitae), Labcorp
Classification: Uncertain significance. Last evaluated: 2024-12-27. Review status: criteria provided, single submitter. Criteria: Invitae Variant Classification Sherloc (09022015). Collection method: clinical testing. Allele origin: germline.
Comment: This sequence change replaces arginine, which is basic and polar, with serine, which is neutral and polar, at codon 1667 of the COL11A2 protein (p.Arg1667Ser). This variant is not present in population databases (gnomAD no frequency). This variant has not been reported in the literature in individuals affected with COL11A2-related conditions. ClinVar contains an entry for this variant (Variation ID: 1462244). Invitae Evidence Modeling of protein sequence and biophysical properties (such as structural, functional, and spatial information, amino acid conservation, physicochemical variation, residue mobility, and thermodynamic stability) indicates that this missense variant is not expected to disrupt COL11A2 protein function with a negative predictive value of 95%. In summary, the available evidence is currently insufficient to determine the role of this variant in disease. Therefore, it has been classified as a Variant of Uncertain Significance.

Ambry Genetics
Classification: Uncertain significance for Inborn genetic diseases. Last evaluated: 2023-06-13. Review status: criteria provided, single submitter. Criteria: Ambry Variant Classification Scheme 2023. Collection method: clinical testing. Allele origin: germline.

NM_080680.3(COL11A2):c.4999C>A (p.Arg1667Ser)

Gene: COL11A2 (collagen type XI alpha 2 chain; minus strand). Cytogenetic location: 6p21.32.
Variant type: single nucleotide variant.
Coding change: c.4999C>A on transcript NM_080680.3 (MANE Select); coding-DNA position 4999, C replaced by A.
Protein change: p.Arg1667Ser; replaces arginine 1667 with serine.
Molecular consequence: missense variant.
Genome position (GRCh38, 1-based): chr6:33,164,338, G>T on the plus strand (C>A on the coding strand, the complement: COL11A2 is on the minus strand). VCF-style: chr6-33164338-G-T. GRCh37 (hg19) VCF-style: chr6-33132115-G-T.
Other names: c.4999C>A (NM_080680.2); c.4678C>A, p.Arg1560Ser (NM_080679.3); c.4741C>A, p.Arg1581Ser (NM_080681.3); short protein forms R1560S, R1667S, R1581S.
Identifiers: ClinVar variation 1462244 (VCV001462244.8), dbSNP rs759322344, ClinGen allele CA363616055.
Genomic context (GRCh38, chr6:33,164,338, plus strand): 5'-CTCTGAATTCTTTGACATAGGGGCTAGTCTCCGGGCTCAGCTCATCCTCATTGGCCCCAC[G>T]GAGTCTCAGGGGACCGTCACGGGCTGCTCCAGAGCAGGGGTAGGAGACGTCCTGGTGGGC-3'
Protein context (NP_542411.2, residues 1657-1677): GAARDGPLRL[Arg1667Ser]GANEDELSPE